The following is an entry in ClinVar:

ClinVar aggregate classification (germline): Conflicting classifications of pathogenicity. Review status: criteria provided, conflicting classifications (1 of 4 stars). 2 submissions from 2 submitters: Likely pathogenic (1); Uncertain significance (1). Last evaluated 2025-02-01.

Conditions:
HR-related disorder. Also called: HR-related condition; HR-related disorders. Identifiers: MedGen CN239293.

Submissions (2):

Labcorp Genetics (formerly Invitae), Labcorp
Classification: Uncertain significance. Last evaluated: 2025-02-01. Review status: criteria provided, single submitter. Criteria: Invitae Variant Classification Sherloc (09022015). Collection method: clinical testing. Allele origin: germline.
Comment: This variant occurs in an alternate reading frame HRURF in the HR gene as HRURF cc.28A>T and p.Ly10*, and corresponds to NM_005144.4:c.-294A>T in the primary transcript. This variant occurs in a non-coding region of the HR gene. It does not change the encoded amino acid sequence of the HR protein. This variant is not present in population databases (gnomAD no frequency). This variant has not been reported in the literature in individuals affected with HR-related conditions. Experimental studies and prediction algorithms are not available or were not evaluated, and the functional significance of this variant is currently unknown. In summary, the available evidence is currently insufficient to determine the role of this variant in disease. Therefore, it has been classified as a Variant of Uncertain Significance.

Blueprint Genetics
Classification: Likely pathogenic for HR-related disorders. Last evaluated: 2022-11-11. Review status: criteria provided, single submitter. Criteria: ACMG Guidelines, 2015. Collection method: clinical testing. Allele origin: germline. Affected: yes. Observed: 1 variant allele.

NM_005144.5(HR):c.-294A>T

Genes: HRURF (HR upstream open reading frame; minus strand), HR (HR lysine demethylase and nuclear receptor corepressor; minus strand). Cytogenetic location: 8p21.3.
Variant type: single nucleotide variant.
Coding change: c.-294A>T on transcript NM_005144.5 (MANE Select); 294 bases upstream of the start codon, A replaced by T.
Molecular consequence: 5 prime UTR variant. On other transcripts: nonsense (1).
Genome position (GRCh38, 1-based): chr8:22,130,681, T>A on the plus strand (A>T on the coding strand, the complement: HR is on the minus strand). VCF-style: chr8-22130681-T-A. GRCh37 (hg19) VCF-style: chr8-21988194-T-A.
Other names: c.28A>T, p.Lys10Ter (NM_001394132.1); c.-294A>T (NM_018411.4); short protein forms K10*.
Identifiers: ClinVar variation 3641574 (VCV003641574.3).